The following is an entry in ClinVar:

ClinVar aggregate classification (germline): Likely benign. Review status: criteria provided, multiple submitters, no conflicts (2 of 4 stars). 3 submissions from 3 submitters: Likely benign (2). 1 of the submissions does not count toward it. Last evaluated 2026-01-26.

Conditions:
DHDDS-related disorder. Also called: DHDDS-related condition.
Retinitis pigmentosa 59 (RP59). Identifiers: Orphanet 791, MedGen C3151227, MONDO:0013468, OMIM 613861.

Allele frequency attached by ClinVar (database versions not stated): gnomAD exomes 0.00001 and 0.00005; ExAC 0.00003; ESP Exome Variant Server 0.00008; gnomAD 0.00013 and 0.00016; TOPMed 0.00019; 1000 Genomes Project 30x 0.00031.
gnomAD v4.1: 39 of 1,614,210 alleles (0.0024%); highest among the groups gnomAD compares: African/African-American, 0.04%; no homozygotes.

Submissions (3):

Labcorp Genetics (formerly Invitae), Labcorp
Classification: Likely benign for Retinitis pigmentosa 59. Last evaluated: 2026-01-26. Review status: criteria provided, single submitter. Criteria: Invitae Variant Classification Sherloc (09022015). Collection method: clinical testing. Allele origin: germline.

Blueprint Genetics
Classification: Likely benign. Last evaluated: 2022-08-18. Review status: criteria provided, single submitter. Criteria: ACMG Guidelines, 2015. Collection method: clinical testing. Allele origin: germline.

PreventionGenetics, part of Exact Sciences
Classification: Likely benign for DHDDS-related condition. Last evaluated: 2019-04-26. Review status: no assertion criteria provided. Collection method: clinical testing. Allele origin: germline. Not counted in ClinVar's aggregate classification.
Comment: This variant is classified as likely benign based on ACMG/AMP sequence variant interpretation guidelines (Richards et al. 2015 PMID: 25741868, with internal and published modifications).

NM_205861.3(DHDDS):c.33T>C (p.Leu11=)

Gene: DHDDS (dehydrodolichyl diphosphate synthase subunit; plus strand). Cytogenetic location: 1p36.11.
Variant type: single nucleotide variant.
Coding change: c.33T>C on transcript NM_205861.3 (MANE Select); coding-DNA position 33, T replaced by C.
Protein change: p.Leu11=; no amino-acid change (leucine 11 retained).
Molecular consequence: synonymous variant. On other transcripts: 5 prime UTR variant (1).
Genome position (GRCh38, 1-based): chr1:26,432,978, T>C. VCF-style: chr1-26432978-T-C. GRCh37 (hg19) VCF-style: chr1-26759469-T-C.
Other names: c.33T>C, p.Leu11= (NM_001243564.2, NM_001243565.2, NM_024887.4); c.-270T>C (NM_001319959.2).
Identifiers: ClinVar variation 539145 (VCV000539145.14), dbSNP rs139193738, ClinGen allele CA705219.